The following is an entry in ClinVar:

NM_000540.3(RYR1):c.7884C>T (p.Phe2628=)

Gene: RYR1 (ryanodine receptor 1; plus strand). Cytogenetic location: 19q13.2.
Variant type: single nucleotide variant.
Coding change: c.7884C>T on transcript NM_000540.3 (MANE Select); coding-DNA position 7884, C replaced by T.
Protein change: p.Phe2628=; no amino-acid change (phenylalanine 2628 retained).
Molecular consequence: synonymous variant.
Genome position (GRCh38, 1-based): chr19:38,502,928, C>T. VCF-style: chr19-38502928-C-T. GRCh37 (hg19) VCF-style: chr19-38993568-C-T.
Other names: c.7884C>T, p.Phe2628= (NM_001042723.2).
Identifiers: ClinVar variation 700210 (VCV000700210.12), dbSNP rs777187427, ClinGen allele CA070978.
Genomic context (GRCh38, chr19:38,502,928, plus strand): 5'-ATTGTCCCGCAGGTACATCCGCCCGTCGATGCTGCAGCACCTGTTGCGCCGCCTGGTGTT[C>T]GACGTGCCCATCCTCAACGAGTTCGCCAAGATGCCACTCAAGGTGAGGGCAAGCGCTCTT-3'
Protein context (NP_000531.2, residues 2618-2638): MLQHLLRRLV[Phe2628=]DVPILNEFAK

ClinVar aggregate classification (germline): Likely benign. Review status: criteria provided, multiple submitters, no conflicts (2 of 4 stars). 4 submissions from 4 submitters: Likely benign (4). Last evaluated 2025-09-29.

Conditions:
RYR1-related disorder. Also called: RYR1-related disorders; RYR1-related condition. Identifiers: MedGen CN239331.
Malignant hyperthermia, susceptibility to, 1 (MHS1). Also called: Malignant hyperthermia suceptibility 1; Anesthesia related hyperthermia; Malignant hyperpyrexia; Fulminating hyperpyrexia; Pharmacogenic myopathy; RYR1-Related Malignant Hyperthermia Susceptibility. Identifiers: Orphanet 423, MedGen C2930980, MONDO:0007783, OMIM 145600.

Allele frequency attached by ClinVar (database versions not stated): gnomAD 0.00003; TOPMed 0.00005; gnomAD exomes 0.00006; ExAC 0.00007.
gnomAD v4.1: 99 of 1,611,484 alleles (0.0061%); highest among the groups gnomAD compares: Non-Finnish European, 0.0069%; no homozygotes.

Submissions (4):

Labcorp Genetics (formerly Invitae), Labcorp
Classification: Likely benign for RYR1-related disorder. Last evaluated: 2025-09-29. Review status: criteria provided, single submitter. Criteria: Invitae Variant Classification Sherloc (09022015). Collection method: clinical testing. Allele origin: germline.

Blueprint Genetics
Classification: Likely benign. Last evaluated: 2024-04-16. Review status: criteria provided, single submitter. Criteria: ACMG Guidelines, 2015. Collection method: clinical testing. Allele origin: germline.

All of Us Research Program, National Institutes of Health
Classification: Likely benign for Malignant hyperthermia, susceptibility to, 1. Last evaluated: 2023-11-20. Review status: criteria provided, single submitter. Criteria: ACMG Guidelines, 2015. Collection method: clinical testing. Allele origin: germline. Inheritance: Autosomal dominant inheritance. Observed: 14 variant alleles, 14 heterozygotes.
Comment: This study involves interpretation of variants in research participants for the purpose of population health screening. Participant phenotype was not available at the time of variant classification. Additional details can be found in publication PMID: 35346344, PMCID: PMC8962531

Color Diagnostics, LLC DBA Color Health
Classification: Likely benign for Malignant hyperthermia, susceptibility to, 1. Last evaluated: 2022-11-06. Review status: criteria provided, single submitter. Criteria: ACMG Guidelines, 2015. Collection method: clinical testing. Allele origin: germline.